The following is an entry in ClinVar:

NM_000051.4(ATM):c.5264T>A (p.Met1755Lys)

Gene: ATM (ATM serine/threonine kinase; plus strand). Cytogenetic location: 11q22.3.
Variant type: single nucleotide variant.
Coding change: c.5264T>A on transcript NM_000051.4 (MANE Select); coding-DNA position 5264, T replaced by A.
Protein change: p.Met1755Lys; replaces methionine 1755 with lysine.
Molecular consequence: missense variant.
Genome position (GRCh38, 1-based): chr11:108,301,734, T>A. VCF-style: chr11-108301734-T-A. GRCh37 (hg19) VCF-style: chr11-108172461-T-A.
Other names: c.5264T>A, p.Met1755Lys (NM_001351834.2); short protein forms M1755K.
Identifiers: ClinVar variation 952783 (VCV000952783.9), dbSNP rs1555105739, ClinGen allele CA382542555.

ClinVar aggregate classification (germline): Uncertain significance (1 of 4 stars; one submission).

Conditions:
Ataxia-telangiectasia syndrome (AT). Also called: LOUIS-BAR SYNDROME; Ataxia telangiectasia (A-T); Cerebello-oculocutaneous telangiectasia; Immunodeficiency with ataxia telangiectasia; ATAXIA-TELANGIECTASIA, COMPLEMENTATION GROUP A; ATAXIA-TELANGIECTASIA, FRESNO VARIANT. Identifiers: Orphanet 100, MedGen C0004135, MONDO:0008840, OMIM 208900.

Submission:

Labcorp Genetics (formerly Invitae), Labcorp
Classification: Uncertain significance for Ataxia-telangiectasia syndrome. Last evaluated: 2019-08-10. Review status: criteria provided, single submitter. Criteria: Invitae Variant Classification Sherloc (09022015). Collection method: clinical testing. Allele origin: germline.
Comment: In summary, the available evidence is currently insufficient to determine the role of this variant in disease. Therefore, it has been classified as a Variant of Uncertain Significance. Algorithms developed to predict the effect of missense changes on protein structure and function output the following: SIFT: "Tolerated"; PolyPhen-2: "Benign"; Align-GVGD: "Class C0". The lysine amino acid residue is found in multiple mammalian species, suggesting that this missense change does not adversely affect protein function. These predictions have not been confirmed by published functional studies and their clinical significance is uncertain. This variant has not been reported in the literature in individuals with ATM-related conditions. This variant is not present in population databases (ExAC no frequency). This sequence change replaces methionine with lysine at codon 1755 of the ATM protein (p.Met1755Lys). The methionine residue is weakly conserved and there is a moderate physicochemical difference between methionine and lysine.